The following is an entry in ClinVar:

ClinVar aggregate classification (germline): Likely benign. Review status: criteria provided, multiple submitters, no conflicts (2 of 4 stars). 3 submissions from 3 submitters: Likely benign (2). 1 of the submissions does not count toward it. Last evaluated 2025-01-31.

Conditions:
Focal segmental glomerulosclerosis 2 (FSGS2). Identifiers: Orphanet 656, MedGen C1858915, MONDO:0011390, OMIM 603965.
TRPC6-related disorder. Also called: TRPC6-related condition.

Allele frequency attached by ClinVar (database versions not stated): ESP Exome Variant Server 0.00008.
gnomAD v4.1: 11 of 1,595,484 alleles (0.00069%); highest among the groups gnomAD compares: Middle Eastern, 0.017%; no homozygotes.

Submissions (3):

Labcorp Genetics (formerly Invitae), Labcorp
Classification: Likely benign. Last evaluated: 2025-01-31. Review status: criteria provided, single submitter. Criteria: Invitae Variant Classification Sherloc (09022015). Collection method: clinical testing. Allele origin: germline.

Fulgent Genetics
Classification: Likely benign for Focal segmental glomerulosclerosis 2. Last evaluated: 2024-06-20. Review status: criteria provided, single submitter. Criteria: ACMG Guidelines, 2015. Collection method: clinical testing. Allele origin: germline.

PreventionGenetics, part of Exact Sciences
Classification: Likely benign for TRPC6-related condition. Last evaluated: 2022-12-19. Review status: no assertion criteria provided. Collection method: clinical testing. Allele origin: germline. Not counted in ClinVar's aggregate classification.
Comment: This variant is classified as likely benign based on ACMG/AMP sequence variant interpretation guidelines (Richards et al. 2015 PMID: 25741868, with internal and published modifications).

NM_004621.6(TRPC6):c.273C>T (p.Arg91=)

Gene: TRPC6 (transient receptor potential cation channel subfamily C member 6; minus strand). Cytogenetic location: 11q22.1.
Variant type: single nucleotide variant.
Coding change: c.273C>T on transcript NM_004621.6 (MANE Select); coding-DNA position 273, C replaced by T.
Protein change: p.Arg91=; no amino-acid change (arginine 91 retained).
Molecular consequence: synonymous variant.
Genome position (GRCh38, 1-based): chr11:101,504,696, G>A on the plus strand (C>T on the coding strand, the complement: TRPC6 is on the minus strand). VCF-style: chr11-101504696-G-A. GRCh37 (hg19) VCF-style: chr11-101375427-G-A.
Other names: c.273C>T (NM_004621.5).
Identifiers: ClinVar variation 2957678 (VCV002957678.6), dbSNP rs140496742, ClinGen allele CA6244552.
Genomic context (GRCh38, chr11:101,504,696, plus strand): 5'-GATGTTACCATATTCAGCTGCATCCAAAAAGCGTTCCTCCTCTATAGATAGGCTTGTGGA[G>A]CGATCACTAAACATGTATGCTGGTCCTCGATTAGCTAACCTTCTCCCCTTCTCACGGAGA-3'
Protein context (NP_004612.2, residues 81-101): NRGPAYMFSD[Arg91=]STSLSIEEER